The following is an entry in ClinVar:

NM_201525.4(ADGRG1):c.1200G>A (p.Lys400=)

Gene: ADGRG1 (adhesion G protein-coupled receptor G1; plus strand). Cytogenetic location: 16q21.
Variant type: single nucleotide variant.
Coding change: c.1200G>A on transcript NM_201525.4 (MANE Select); coding-DNA position 1200, G replaced by A.
Protein change: p.Lys400=; no amino-acid change (lysine 400 retained).
Molecular consequence: synonymous variant.
Genome position (GRCh38, 1-based): chr16:57,657,405, G>A. VCF-style: chr16-57657405-G-A. GRCh37 (hg19) VCF-style: chr16-57691317-G-A.
Other names: c.1200G>A, p.Lys400= (NM_001145770.3, NM_001145771.3, NM_001145772.3 and 14 more transcripts); c.1215G>A, p.Lys405= (NM_001145773.3, NM_001370433.1); c.690G>A, p.Lys230= (NM_001290142.2); c.675G>A, p.Lys225= (NM_001290143.2, NM_001290144.2, NM_001370451.1 and 2 more transcripts); c.1197G>A, p.Lys399= (NM_001370434.1, NM_001370441.1); c.1044G>A, p.Lys348= (NM_001370442.1).
Identifiers: ClinVar variation 1146141 (VCV001146141.34), dbSNP rs760911899, ClinGen allele CA8078686.

ClinVar aggregate classification (germline): Likely benign. Review status: criteria provided, multiple submitters, no conflicts (2 of 4 stars). 3 submissions from 3 submitters: Likely benign (2). 1 of the submissions does not count toward it. Last evaluated 2026-01-19.

Conditions:
Bilateral frontoparietal polymicrogyria. Also called: CEREBELLAR ATAXIA WITH NEURONAL MIGRATION DEFECT; CORTICAL DYSPLASIA, COMPLEX, WITH OTHER BRAIN MALFORMATIONS 14A (BILATERAL FRONTOPARIETAL). Identifiers: Orphanet 101070, MedGen C1847352, MONDO:0011738, OMIM 606854.

Allele frequency attached by ClinVar (database versions not stated): gnomAD 0.00001; gnomAD exomes 0.00002 and 0.00003; TOPMed 0.00002; ExAC 0.00006.
gnomAD v4.1: 37 of 1,613,994 alleles (0.0023%); highest among the groups gnomAD compares: Middle Eastern, 0.016%; no homozygotes.

Submissions (3):

Labcorp Genetics (formerly Invitae), Labcorp
Classification: Likely benign. Last evaluated: 2026-01-19. Review status: criteria provided, single submitter. Criteria: Invitae Variant Classification Sherloc (09022015). Collection method: clinical testing. Allele origin: germline.

CeGaT Center for Human Genetics Tuebingen
Classification: Likely benign. Last evaluated: 2022-07-01. Review status: criteria provided, single submitter. Criteria: CeGaT Center For Human Genetics Tuebingen Variant Classification Criteria Version 2. Collection method: clinical testing. Allele origin: germline. Affected: yes. Observed: 1 variant allele.
Comment: ADGRG1: BP4, BP7

Natera, Inc.
Classification: Likely benign for Bilateral frontoparietal polymicrogyria. Last evaluated: 2021-01-11. Review status: no assertion criteria provided. Collection method: clinical testing. Allele origin: germline. Not counted in ClinVar's aggregate classification.